The following is an entry in ClinVar:

NM_001371986.1(UNC80):c.1825C>T (p.Pro609Ser)

Gene: UNC80 (unc-80 subunit of NALCN channel complex; plus strand). Cytogenetic location: 2q34.
Variant type: single nucleotide variant.
Coding change: c.1825C>T on transcript NM_001371986.1 (MANE Select); coding-DNA position 1825, C replaced by T.
Protein change: p.Pro609Ser; replaces proline 609 with serine.
Molecular consequence: missense variant.
Genome position (GRCh38, 1-based): chr2:209,819,124, C>T. VCF-style: chr2-209819124-C-T. GRCh37 (hg19) VCF-style: chr2-210683848-C-T.
Other names: c.1825C>T, p.Pro609Ser (NM_032504.2, NM_182587.4); short protein forms P609S.
Identifiers: ClinVar variation 2413229 (VCV002413229.6), dbSNP rs1188588782, ClinGen allele CA350135758.

ClinVar aggregate classification (germline): Uncertain significance (1 of 4 stars; one submission).

Allele frequency attached by ClinVar (database versions not stated): gnomAD exomes below 0.00001.
gnomAD v4.1: 1 of 1,552,210 alleles (0.000064%); highest among the groups gnomAD compares: Admixed American, 0.002%; no homozygotes.

Submission:

Labcorp Genetics (formerly Invitae), Labcorp
Classification: Uncertain significance. Last evaluated: 2022-11-15. Review status: criteria provided, single submitter. Criteria: Invitae Variant Classification Sherloc (09022015). Collection method: clinical testing. Allele origin: germline.
Comment: This sequence change replaces proline, which is neutral and non-polar, with serine, which is neutral and polar, at codon 609 of the UNC80 protein (p.Pro609Ser). This variant is present in population databases (no rsID available, gnomAD 0.004%). This variant has not been reported in the literature in individuals affected with UNC80-related conditions. Algorithms developed to predict the effect of missense changes on protein structure and function are either unavailable or do not agree on the potential impact of this missense change (SIFT: "Not Available"; PolyPhen-2: "Probably Damaging"; Align-GVGD: "Not Available"). In summary, the available evidence is currently insufficient to determine the role of this variant in disease. Therefore, it has been classified as a Variant of Uncertain Significance.